The following is an entry in ClinVar:

ClinVar aggregate classification (germline): Likely benign (0 of 4 stars; one submission).

Conditions:
DNAH6-related disorder. Also called: DNAH6-related condition.

Allele frequency attached by ClinVar (database versions not stated): TOPMed 0.00008; gnomAD exomes 0.00011; ExAC 0.00014; gnomAD 0.00021.
gnomAD v4.1: 175 of 1,551,456 alleles (0.011%); highest among the groups gnomAD compares: Non-Finnish European, 0.014%; no homozygotes.

Submission:

PreventionGenetics, part of Exact Sciences
Classification: Likely benign for DNAH6-related condition. Last evaluated: 2019-06-12. Review status: no assertion criteria provided. Collection method: clinical testing. Allele origin: germline.
Comment: This variant is classified as likely benign based on ACMG/AMP sequence variant interpretation guidelines (Richards et al. 2015 PMID: 25741868, with internal and published modifications).

NM_001370.2(DNAH6):c.3816G>A (p.Lys1272=)

Gene: DNAH6 (dynein axonemal heavy chain 6; plus strand). Cytogenetic location: 2p11.2.
Variant type: single nucleotide variant.
Coding change: c.3816G>A on transcript NM_001370.2 (MANE Select); coding-DNA position 3816, G replaced by A.
Protein change: p.Lys1272=; no amino-acid change (lysine 1272 retained).
Molecular consequence: synonymous variant.
Genome position (GRCh38, 1-based): chr2:84,621,214, G>A. VCF-style: chr2-84621214-G-A. GRCh37 (hg19) VCF-style: chr2-84848338-G-A.
Identifiers: ClinVar variation 3033452 (VCV003033452.2), dbSNP rs747823277, ClinGen allele CA1737092.